The following is an entry in ClinVar:

ClinVar aggregate classification (germline): Uncertain significance (1 of 4 stars; one submission).

Allele frequency attached by ClinVar (database versions not stated): gnomAD exomes below 0.00001; gnomAD 0.00001; TOPMed 0.00002.
gnomAD v4.1: 5 of 1,613,896 alleles (0.00031%); highest among the groups gnomAD compares: East Asian, 0.0022%; no homozygotes.

Submission:

Labcorp Genetics (formerly Invitae), Labcorp
Classification: Uncertain significance. Last evaluated: 2022-06-27. Review status: criteria provided, single submitter. Criteria: Invitae Variant Classification Sherloc (09022015). Collection method: clinical testing. Allele origin: germline.
Comment: This variant has not been reported in the literature in individuals affected with MTHFD1-related conditions. In summary, the available evidence is currently insufficient to determine the role of this variant in disease. Therefore, it has been classified as a Variant of Uncertain Significance. Algorithms developed to predict the effect of missense changes on protein structure and function are either unavailable or do not agree on the potential impact of this missense change (SIFT: "Deleterious"; PolyPhen-2: "Probably Damaging"; Align-GVGD: "Class C0"). This variant is present in population databases (no rsID available, gnomAD 0.0009%). This sequence change replaces threonine, which is neutral and polar, with methionine, which is neutral and non-polar, at codon 545 of the MTHFD1 protein (p.Thr545Met).

NM_005956.4(MTHFD1):c.1634C>T (p.Thr545Met)

Gene: MTHFD1 (methylenetetrahydrofolate dehydrogenase, cyclohydrolase and formyltetrahydrofolate synthetase 1; plus strand). Cytogenetic location: 14q23.3.
Variant type: single nucleotide variant.
Coding change: c.1634C>T on transcript NM_005956.4 (MANE Select); coding-DNA position 1634, C replaced by T.
Protein change: p.Thr545Met; replaces threonine 545 with methionine.
Molecular consequence: missense variant.
Genome position (GRCh38, 1-based): chr14:64,439,132, C>T. VCF-style: chr14-64439132-C-T. GRCh37 (hg19) VCF-style: chr14-64905850-C-T.
Other names: c.1634C>T, p.Thr545Met (NM_001364837.1); short protein forms T545M.
Identifiers: ClinVar variation 2026570 (VCV002026570.4), dbSNP rs1183286456, ClinGen allele CA389994729.